The following is an entry in ClinVar:

NM_000301.5(PLG):c.578A>G (p.Tyr193Cys)

Gene: PLG (plasminogen; plus strand). Cytogenetic location: 6q26.
Variant type: single nucleotide variant.
Coding change: c.578A>G on transcript NM_000301.5 (MANE Select); coding-DNA position 578, A replaced by G.
Protein change: p.Tyr193Cys; replaces tyrosine 193 with cysteine.
Molecular consequence: missense variant.
Genome position (GRCh38, 1-based): chr6:160,714,824, A>G. VCF-style: chr6-160714824-A-G. GRCh37 (hg19) VCF-style: chr6-161135856-A-G.
Other names: short protein forms Y193C.
Identifiers: ClinVar variation 2572098 (VCV002572098.1), dbSNP rs2484337019, ClinGen allele CA366361997.

ClinVar aggregate classification (germline): Uncertain significance (1 of 4 stars; one submission).

Conditions:
Thrombus. Identifiers: MedGen C0087086, MeSH D013927.

Submission:

ISTH-SSC Genomics in Thrombosis and Hemostasis, KU Leuven, Center for Molecular and Vascular Biology
Classification: Uncertain significance for Thrombus. Review status: criteria provided, single submitter. Criteria: ACMG Guidelines, 2015. Collection method: clinical testing. Allele origin: germline. Affected: yes. Observed: 1 heterozygote.
Comment: Submitted to the GoldVariant database by Kathleen Freson, Center for Molecular and Vascular Biology